The following is an entry in ClinVar:

ClinVar aggregate classification (germline): Uncertain significance (1 of 4 stars; one submission).

Submission:

Ambry Genetics
Classification: Uncertain significance. Last evaluated: 2025-06-20. Review status: criteria provided, single submitter. Criteria: Ambry Variant Classification Scheme 2023. Collection method: clinical testing. Allele origin: germline.
Comment: The p.V1055L variant (also known as c.3163G>C), located in coding exon 12 of the CDK12 gene, results from a G to C substitution at nucleotide position 3163. The valine at codon 1055 is replaced by leucine, an amino acid with highly similar properties. This amino acid position is conserved. In addition, this alteration is predicted to be tolerated by in silico analysis. Based on the available evidence, the clinical significance of this variant remains unclear.

NM_016507.4(CDK12):c.3163G>C (p.Val1055Leu)

Gene: CDK12 (cyclin dependent kinase 12; plus strand). Cytogenetic location: 17q12.
Variant type: single nucleotide variant.
Coding change: c.3163G>C on transcript NM_016507.4 (MANE Select); coding-DNA position 3163, G replaced by C.
Protein change: p.Val1055Leu; replaces valine 1055 with leucine.
Molecular consequence: missense variant.
Genome position (GRCh38, 1-based): chr17:39,524,741, G>C. VCF-style: chr17-39524741-G-C. GRCh37 (hg19) VCF-style: chr17-37680994-G-C.
Other names: c.3163G>C, p.Val1055Leu (NM_015083.4); short protein forms V1055L.
Identifiers: ClinVar variation 4224198 (VCV004224198.1).